The following is an entry in ClinVar:

ClinVar aggregate classification (germline): Uncertain significance (1 of 4 stars; one submission).

Conditions:
ARHGAP31-related disorder. Also called: ARHGAP31-related condition.

Submission:

PreventionGenetics, part of Exact Sciences
Classification: Uncertain significance for ARHGAP31-related condition. Last evaluated: 2023-05-05. Review status: criteria provided, single submitter. Criteria: ACMG Guidelines, 2015. Collection method: clinical testing. Allele origin: germline.
Comment: The ARHGAP31 c.2725G>A variant is predicted to result in the amino acid substitution p.Glu909Lys. To our knowledge, this variant has not been reported in the literature or in a large population database, indicating this variant is rare. At this time, the clinical significance of this variant is uncertain due to the absence of conclusive functional and genetic evidence.

NM_020754.4(ARHGAP31):c.2725G>A (p.Glu909Lys)

Gene: ARHGAP31 (Rho GTPase activating protein 31; plus strand). Cytogenetic location: 3q13.33.
Variant type: single nucleotide variant.
Coding change: c.2725G>A on transcript NM_020754.4 (MANE Select); coding-DNA position 2725, G replaced by A.
Protein change: p.Glu909Lys; replaces glutamic acid 909 with lysine.
Molecular consequence: missense variant.
Genome position (GRCh38, 1-based): chr3:119,414,654, G>A. VCF-style: chr3-119414654-G-A. GRCh37 (hg19) VCF-style: chr3-119133501-G-A.
Other names: short protein forms E909K.
Identifiers: ClinVar variation 2634182 (VCV002634182.1), dbSNP rs2472876605, ClinGen allele CA354052700.